The following is an entry in ClinVar:

NM_022765.4(MICAL1):c.-43-5_-43-4insGC

Gene: MICAL1 (microtubule associated monooxygenase, calponin and LIM domain containing 1; minus strand). Cytogenetic location: 6q21.
Variant type: Insertion.
Coding change: c.-43-5_-43-4insGC on transcript NM_022765.4 (MANE Select); 5 bases into the intron before 43 bases upstream of the start codon through 4 bases into the intron before 43 bases upstream of the start codon, GC inserted.
Molecular consequence: intron variant.
Genome position: GRCh38 VCF-style: chr6-109454243-G-GGC. GRCh37 (hg19) VCF-style: chr6-109775446-G-GGC.
Other names: c.15-5_15-4insGC (NM_001286613.2); c.-43-5_-43-4insGC (NM_001159291.2).
Identifiers: ClinVar variation 1463765 (VCV001463765.6), dbSNP rs564642212, ClinGen allele CA3953922.
Genomic context (GRCh38, chr6:109,454,243, plus strand): 5'-GTAGGTGAAGCCATGGAGGCCTCCTGGGGAGGGCAGCAGCTGGGCAGAGATGAGTGGCTG[G>GGC]AGAGGTGGAAAAAGAAGGGGAAGAGGCTGGAGAACAGAAGAAATAAAAAGGAAGGGGAGG-3'

ClinVar aggregate classification (germline): Uncertain significance (1 of 4 stars; one submission).

Allele frequency attached by ClinVar (database versions not stated): ExAC 0.00005; gnomAD exomes 0.00005; gnomAD 0.00070 and 0.00076; 1000 Genomes Project 0.00120; ESP Exome Variant Server 0.00820.

Submission:

Labcorp Genetics (formerly Invitae), Labcorp
Classification: Uncertain significance. Last evaluated: 2026-01-19. Review status: criteria provided, single submitter. Criteria: Invitae Variant Classification Sherloc (09022015). Collection method: clinical testing. Allele origin: germline.
Comment: This sequence change falls in intron 1 of the MICAL1 gene. It does not directly change the encoded amino acid sequence of the MICAL1 protein. The frequency data for this variant in the population databases is considered unreliable, as metrics indicate poor data quality at this position in the gnomAD database. This variant has not been reported in the literature in individuals affected with MICAL1-related conditions. ClinVar contains an entry for this variant (Variation ID: 1463765). Algorithms developed to predict the effect of sequence changes on RNA splicing suggest that this variant may disrupt the consensus splice site. In summary, the available evidence is currently insufficient to determine the role of this variant in disease. Therefore, it has been classified as a Variant of Uncertain Significance.